The following is an entry in ClinVar:

ClinVar aggregate classification (germline): Uncertain significance (1 of 4 stars; one submission).

Allele frequency attached by ClinVar (database versions not stated): gnomAD 0.00002; gnomAD exomes 0.00002 and 0.00003; TOPMed 0.00002; ExAC 0.00006.
gnomAD v4.1: 29 of 1,613,608 alleles (0.0018%); highest among the groups gnomAD compares: Non-Finnish European, 0.002%; no homozygotes.

Submission:

Labcorp Genetics (formerly Invitae), Labcorp
Classification: Uncertain significance. Last evaluated: 2021-07-13. Review status: criteria provided, single submitter. Criteria: Invitae Variant Classification Sherloc (09022015). Collection method: clinical testing. Allele origin: germline.
Comment: This sequence change replaces leucine with proline at codon 103 of the RP1L1 protein (p.Leu103Pro). The leucine residue is weakly conserved and there is a moderate physicochemical difference between leucine and proline. This variant is present in population databases (rs777588819, ExAC 0.01%). In summary, the available evidence is currently insufficient to determine the role of this variant in disease. Therefore, it has been classified as a Variant of Uncertain Significance. Advanced modeling of protein sequence and biophysical properties (such as structural, functional, and spatial information, amino acid conservation, physicochemical variation, residue mobility, and thermodynamic stability) performed at Invitae indicates that this missense variant is expected to disrupt RP1L1 protein function. This variant has not been reported in the literature in individuals affected with RP1L1-related conditions.

NM_178857.6(RP1L1):c.308T>C (p.Leu103Pro)

Gene: RP1L1 (RP1 like 1). Cytogenetic location: 8p23.1.
Variant type: single nucleotide variant.
Coding change: c.308T>C on transcript NM_178857.6 (MANE Select); coding-DNA position 308, T replaced by C.
Protein change: p.Leu103Pro; replaces leucine 103 with proline.
Molecular consequence: missense variant.
Genome position (GRCh38, 1-based): chr8:10,622,894, A>G on the plus strand (T>C on the coding strand, the complement: RP1L1 is on the minus strand). VCF-style: chr8-10622894-A-G. GRCh37 (hg19) VCF-style: chr8-10480404-A-G.
Other names: short protein forms L103P.
Identifiers: ClinVar variation 1426921 (VCV001426921.8), dbSNP rs777588819, ClinGen allele CA4625768.
Genomic context (GRCh38, chr8:10,622,894, plus strand): 5'-TTTCTCTCCTGTGGCCGGCCTGGTCCACTGGGGGTCTTGGGGGGCTTCTTATCAGAGCAG[A>G]GGTAGCAGCCTCCATCTTCCAGCTGCTCCAGGGCGCTGAGGCTATGCAGGCCCCGGGGTG-3'
Protein context (NP_849188.4, residues 93-113): LEQLEDGGCY[Leu103Pro]CSDKKPPKTP